The following is an entry in ClinVar:

NM_133259.4(LRPPRC):c.186_193delinsAAAA (p.Ala63fs)

Gene: LRPPRC (leucine rich pentatricopeptide repeat containing; minus strand). Cytogenetic location: 2p21.
Variant type: Indel.
Coding change: c.186_193delinsAAAA on transcript NM_133259.4 (MANE Select); coding-DNA positions 186 to 193, TGCCAAAG replaced by AAAA.
Protein change: p.Ala63fs; shifts the reading frame from alanine 63.
Molecular consequence: frameshift variant.
Genome position (GRCh38, 1-based): chr2:43,982,391-43,982,398, CTTTGGCA replaced by TTTT on the plus strand (TGCCAAAG replaced by AAAA on the coding strand, the reverse complement: LRPPRC is on the minus strand). VCF-style: chr2-43982391-CTTTGGCA-TTTT. GRCh37 (hg19) VCF-style: chr2-44209530-CTTTGGCA-TTTT.
Other names: short protein forms A63fs.
Identifiers: ClinVar variation 1726613 (VCV001726613.2), dbSNP rs2466695686, ClinGen allele CA2580066519.
Genomic context (GRCh38, chr2:43,982,391, plus strand): 5'-AATCAAACTGATTGGAAATCTTCCTAGAAGAAAAAGTGGACTCCTCTTGAATATCTTTTT[CTTTGGCA>TTTT]GCAATGGCATACAGCCTGGCTGGGCTCAGTAGTCCTCTAAAAAATGAAACATAATTAATA-3'

ClinVar aggregate classification (germline): Likely pathogenic (1 of 4 stars; one submission).

Conditions:
Congenital lactic acidosis, Saguenay-Lac-Saint-Jean type (MC4DN5). Also called: CYTOCHROME c OXIDASE DEFICIENCY, FRENCH CANADIAN TYPE; COX DEFICIENCY, FRENCH CANADIAN TYPE; MITOCHONDRIAL COMPLEX IV DEFICIENCY, NUCLEAR TYPE 5. Identifiers: Orphanet 70472, MedGen C1857355, MONDO:0009069, OMIM 220111.

Submission:

Myriad Genetics, Inc.
Classification: Likely pathogenic for Congenital lactic acidosis, Saguenay-Lac-Saint-Jean type. Last evaluated: 2021-12-27. Review status: criteria provided, single submitter. Criteria: Myriad Women's Health Autosomal Recessive and X-Linked Classification Criteria (2021). Collection method: clinical testing. Allele origin: unknown.
Comment: NM_133259.3(LRPPRC):c.186_193del8ins4(A63Kfs*24) is expected to be pathogenic in the context of Leigh syndrome, French-Canadian type. This variant is predicted to lead to an abnormal or absent protein product due to the creation of a premature termination codon in LRPPRC, a gene where loss-of-function variants are known to be pathogenic. Please note: this variant was assessed in the context of healthy population screening.